The following is an entry in ClinVar:

NM_001754.5(RUNX1):c.318G>A (p.Trp106Ter)

Gene: RUNX1 (RUNX family transcription factor 1; minus strand). Cytogenetic location: 21q22.12.
Variant type: single nucleotide variant.
Coding change: c.318G>A on transcript NM_001754.5 (MANE Select); coding-DNA position 318, G replaced by A.
Protein change: p.Trp106Ter; replaces tryptophan 106 with a stop codon.
Molecular consequence: nonsense.
Genome position (GRCh38, 1-based): chr21:34,886,876, C>T on the plus strand (G>A on the coding strand, the complement: RUNX1 is on the minus strand). VCF-style: chr21-34886876-C-T. GRCh37 (hg19) VCF-style: chr21-36259173-C-T.
Other names: NM_001754.5(RUNX1):c.318G>A; p.Trp106Ter; c.237G>A, p.Trp79Ter (NM_001001890.3, NM_001122607.2); short protein forms W106*, W79*.
Identifiers: ClinVar variation 2854758 (VCV002854758.4), dbSNP rs2146408539, ClinGen allele CA410203500.

ClinVar aggregate classification (germline): Pathogenic. Review status: reviewed by expert panel (3 of 4 stars). 2 submissions from 2 submitters: Pathogenic (1). 1 of the submissions does not count toward it. Last evaluated 2024-09-10.

Conditions:
Hereditary thrombocytopenia and hematologic cancer predisposition syndrome. Identifiers: Orphanet 71290, MedGen CN281654, MONDO:0011071.
Hereditary thrombocytopenia and hematological cancer predisposition syndrome associated with RUNX1. Also called: Familial Platelet Disorder with Propensity to Acute Myelogenous Leukemia; Familial thrombocytopenia with propensity to acute myelogenous leukemia; PLATELET DISORDER, ASPIRIN-LIKE; RUNX1 Familial Platelet Disorder with Associated Myeloid Malignancies. Identifiers: Orphanet 71290, MedGen C1832388, MeSH C563324, MONDO:0100083, OMIM 601399.

Submissions (2):

ClinGen Myeloid Malignancy Variant Curation Expert Panel
Classification: Pathogenic for Hereditary thrombocytopenia and hematologic cancer predisposition syndrome. Last evaluated: 2024-09-10. Review status: reviewed by expert panel. Criteria: ClinGen MyeloMalig ACMG Specifications v2. Collection method: curation. Allele origin: germline. Inheritance: Autosomal dominant inheritance.
Comment: NM_001754.5(RUNX1):c.318G>A (p.Trp106Ter) is a nonsense variant which is predicted to undergo nonsense-mediated decay (as per the modified RUNX1 PVS1 decision tree) (PVS1). This variant is completely absent from all population databases with at least 20x coverage for RUNX1 (PM2_Supporting). It is a nonsense variant that is downstream of c.98 (PM5_Supporting). This variant has been reported in one proband meeting at least one of the RUNX1-phenotypic criteria (PS4_Supporting; PMID: 34233450). In summary, this variant meets the criteria to be classified as pathogenic. ACMG/AMP criteria applied, as specified by the Myeloid Malignancy Variant Curation Expert Panel for RUNX1: PVS1, PM2_Supporting, PM5_Supporting, PS4_Supporting.

Labcorp Genetics (formerly Invitae), Labcorp
Classification: Pathogenic for Hereditary thrombocytopenia and hematological cancer predisposition syndrome associated with RUNX1. Last evaluated: 2024-11-05. Review status: criteria provided, single submitter. Criteria: Invitae Variant Classification Sherloc (09022015). Collection method: clinical testing. Allele origin: germline. Not counted in ClinVar's aggregate classification.
Comment: This sequence change creates a premature translational stop signal (p.Trp106*) in the RUNX1 gene. It is expected to result in an absent or disrupted protein product. Loss-of-function variants in RUNX1 are known to be pathogenic (PMID: 18723428, 24100448). This variant is not present in population databases (gnomAD no frequency). This variant has not been reported in the literature in individuals affected with RUNX1-related conditions. ClinVar contains an entry for this variant (Variation ID: 2854758). For these reasons, this variant has been classified as Pathogenic.

Literature cited by the submitters: PubMed 18723428 (cited by Labcorp Genetics (formerly Invitae), Labcorp); PubMed 24100448 (cited by Labcorp Genetics (formerly Invitae), Labcorp).